The following is an entry in ClinVar:

ClinVar aggregate classification (germline): Benign. Review status: criteria provided, multiple submitters, no conflicts (2 of 4 stars). 2 submissions from 2 submitters: Benign (2). Last evaluated 2018-01-13.

Conditions:
Gamma-aminobutyric acid transaminase deficiency (GABATD). Also called: GABA aminotransaminase deficiency; GABA transaminase deficiency; Gamma aminobutyrate transaminase deficiency; 4 alpha aminobutyrate transaminase deficiency. Identifiers: Orphanet 2066, MedGen C0342708, MONDO:0013166, OMIM 613163.

Allele frequency attached by ClinVar (database versions not stated): TOPMed 0.53493; gnomAD 0.54125 and 0.54595; 1000 Genomes Project 30x 0.54185; 1000 Genomes Project 0.55032; gnomAD exomes 0.66071.
gnomAD v4.1: 82,977 of 152,088 alleles (55%); highest among the groups gnomAD compares: East Asian, 64%; 23,014 homozygotes.

Submissions (2):

Illumina Laboratory Services, Illumina
Classification: Benign for Gamma-aminobutyric acid transaminase deficiency. Last evaluated: 2018-01-13. Review status: criteria provided, single submitter. Criteria: ICSL Variant Classification Criteria 13 December 2019. Collection method: clinical testing. Allele origin: germline.
Comment: This variant was observed in the ICSL laboratory as part of a predisposition screen in an ostensibly healthy population. It had not been previously curated by ICSL or reported in the Human Gene Mutation Database (HGMD: prior to June 1st, 2018), and was therefore a candidate for classification through an automated scoring system. Utilizing variant allele frequency, disease prevalence and penetrance estimates, and inheritance mode, an automated score was calculated to assess if this variant is too frequent to cause the disease. Based on the score and internal cut-off values, a variant classified as benign is not then subjected to further curation. The score for this variant resulted in a classification of benign for this disease.

Breakthrough Genomics
Classification: Benign. Review status: criteria provided, single submitter. Criteria: ACMG Guidelines, 2015. Collection method: not provided. Allele origin: germline. Inheritance: Autosomal recessive inheritance. Affected: yes.

NM_020686.6(ABAT):c.*1131G>A

Gene: ABAT (4-aminobutyrate aminotransferase; plus strand). Cytogenetic location: 16p13.2.
Variant type: single nucleotide variant.
Coding change: c.*1131G>A on transcript NM_020686.6 (MANE Select); 1131 bases downstream of the stop codon, G replaced by A.
Molecular consequence: 3 prime UTR variant.
Genome position (GRCh38, 1-based): chr16:8,782,561, G>A. VCF-style: chr16-8782561-G-A. GRCh37 (hg19) VCF-style: chr16-8876418-G-A.
Other names: c.*1131G>A (NM_000663.5, NM_001127448.2, NM_001386600.1 and 14 more transcripts); c.*1145G>A (NM_001386609.1, NM_001386616.1).
Identifiers: ClinVar variation 321111 (VCV000321111.6), dbSNP rs7205816, ClinGen allele CA10648226.